The following is an entry in ClinVar:

NM_003482.4(KMT2D):c.10214G>C (p.Ser3405Thr)

Gene: KMT2D (lysine methyltransferase 2D; minus strand). Cytogenetic location: 12q13.12.
Variant type: single nucleotide variant.
Coding change: c.10214G>C on transcript NM_003482.4 (MANE Select); coding-DNA position 10214, G replaced by C.
Protein change: p.Ser3405Thr; replaces serine 3405 with threonine.
Molecular consequence: missense variant.
Genome position (GRCh38, 1-based): chr12:49,037,142, C>G on the plus strand (G>C on the coding strand, the complement: KMT2D is on the minus strand). VCF-style: chr12-49037142-C-G. GRCh37 (hg19) VCF-style: chr12-49430925-C-G.
Other names: short protein forms S3405T.
Identifiers: ClinVar variation 2079011 (VCV002079011.7), dbSNP rs769891210, ClinGen allele CA236643302.

ClinVar aggregate classification (germline): Conflicting classifications of pathogenicity. Review status: criteria provided, conflicting classifications (1 of 4 stars). 3 submissions from 3 submitters: Uncertain significance (2); Benign (1). Last evaluated 2025-10-23.

Conditions:
Kabuki syndrome. Also called: Kabuki make-up syndrome; NIIKAWA-KUROKI SYNDROME. Identifiers: Orphanet 2322, MedGen C0796004, MONDO:0016512.
KMT2D-related disorder. Also called: KMT2D-Related Disorders.

Allele frequency attached by ClinVar (database versions not stated): gnomAD 0.00001; gnomAD exomes 0.00001; TOPMed 0.00003.

Submissions (3):

Labcorp Genetics (formerly Invitae), Labcorp
Classification: Benign for Kabuki syndrome. Last evaluated: 2025-10-23. Review status: criteria provided, single submitter. Criteria: Invitae Variant Classification Sherloc (09022015). Collection method: clinical testing. Allele origin: germline.

PreventionGenetics, part of Exact Sciences
Classification: Uncertain significance for KMT2D-related condition. Last evaluated: 2025-08-18. Review status: criteria provided, single submitter. Criteria: ACMG Guidelines, 2015. Collection method: clinical testing. Allele origin: germline.
Comment: The KMT2D c.10214G>C variant is predicted to result in the amino acid substitution p.Ser3405Thr. To our knowledge, this variant has not been reported in the literature. This variant is reported in 0.0092% of alleles in individuals of Latino descent in gnomAD. Although we suspect that this variant may be benign, at this time, the clinical significance of this variant is uncertain due to the absence of conclusive functional and genetic evidence.

Revvity Omics, Revvity
Classification: Uncertain significance. Last evaluated: 2024-07-08. Review status: criteria provided, single submitter. Criteria: ACMG Guidelines, 2015. Collection method: clinical testing. Allele origin: germline.